The following is an entry in ClinVar:

NM_016169.4(SUFU):c.151C>T (p.Pro51Ser)

Gene: SUFU (SUFU negative regulator of hedgehog signaling; plus strand). Cytogenetic location: 10q24.32.
Variant type: single nucleotide variant.
Coding change: c.151C>T on transcript NM_016169.4 (MANE Select); coding-DNA position 151, C replaced by T.
Protein change: p.Pro51Ser; replaces proline 51 with serine.
Molecular consequence: missense variant.
Genome position (GRCh38, 1-based): chr10:102,504,303, C>T. VCF-style: chr10-102504303-C-T. GRCh37 (hg19) VCF-style: chr10-104264060-C-T.
Other names: c.151C>T, p.Pro51Ser (NM_001178133.2); short protein forms P51S.
Identifiers: ClinVar variation 843515 (VCV000843515.17), dbSNP rs2062293449, ClinGen allele CA377886662.

ClinVar aggregate classification (germline): Uncertain significance. Review status: criteria provided, multiple submitters, no conflicts (2 of 4 stars). 2 submissions from 2 submitters: Uncertain significance (2). Last evaluated 2024-07-24.

Conditions:
Medulloblastoma (MDB). Also called: MEDULLOBLASTOMA PREDISPOSITION SYNDROME; Medulloblastoma, somatic. Identifiers: Orphanet 616, MedGen C0025149, MeSH D008527, MONDO:0007959, OMIM 155255, HP:0002885.
Gorlin syndrome. Also called: Nevoid Basal Cell Carcinoma Syndrome; Basal cell nevus syndrome. Identifiers: Orphanet 377, MedGen C0004779, MONDO:0007187.
Hereditary cancer-predisposing syndrome. Also called: Neoplastic Syndromes, Hereditary; Hereditary neoplastic syndrome; Tumor predisposition; Hereditary Cancer Syndrome. Identifiers: Orphanet 140162, MedGen C0027672, MeSH D009386, MONDO:0015356.

Submissions (2):

Ambry Genetics
Classification: Uncertain significance for Hereditary cancer-predisposing syndrome. Last evaluated: 2024-07-24. Review status: criteria provided, single submitter. Criteria: Ambry Variant Classification Scheme 2023. Collection method: clinical testing. Allele origin: germline.
Comment: The p.P51S variant (also known as c.151C>T), located in coding exon 1 of the SUFU gene, results from a C to T substitution at nucleotide position 151. The proline at codon 51 is replaced by serine, an amino acid with similar properties. This amino acid position is highly conserved in available vertebrate species. In addition, this alteration is predicted to be deleterious by in silico analysis. Since supporting evidence is limited at this time, the clinical significance of this alteration remains unclear.

Labcorp Genetics (formerly Invitae), Labcorp
Classification: Uncertain significance for Gorlin syndrome; Medulloblastoma. Last evaluated: 2023-11-06. Review status: criteria provided, single submitter. Criteria: Invitae Variant Classification Sherloc (09022015). Collection method: clinical testing. Allele origin: germline.
Comment: This sequence change replaces proline, which is neutral and non-polar, with serine, which is neutral and polar, at codon 51 of the SUFU protein (p.Pro51Ser). This variant is not present in population databases (gnomAD no frequency). This variant has not been reported in the literature in individuals affected with SUFU-related conditions. ClinVar contains an entry for this variant (Variation ID: 843515). Advanced modeling of protein sequence and biophysical properties (such as structural, functional, and spatial information, amino acid conservation, physicochemical variation, residue mobility, and thermodynamic stability) performed at Invitae indicates that this missense variant is expected to disrupt SUFU protein function with a positive predictive value of 80%. In summary, the available evidence is currently insufficient to determine the role of this variant in disease. Therefore, it has been classified as a Variant of Uncertain Significance.